The following is an entry in ClinVar:

NM_001242896.3(DEPDC5):c.3218G>A (p.Ser1073Asn)

Gene: DEPDC5 (DEP domain containing 5, GATOR1 subcomplex subunit; plus strand). Cytogenetic location: 22q12.3.
Variant type: single nucleotide variant.
Coding change: c.3218G>A on transcript NM_001242896.3 (MANE Select); coding-DNA position 3218, G replaced by A.
Protein change: p.Ser1073Asn; replaces serine 1073 with asparagine.
Molecular consequence: missense variant. On other transcripts: non-coding transcript variant (5).
Genome position (GRCh38, 1-based): chr22:31,857,507, G>A. VCF-style: chr22-31857507-G-A. GRCh37 (hg19) VCF-style: chr22-32253493-G-A.
Other names: c.3191G>A, p.Ser1064Asn (NM_001136029.4, NM_001369903.1, NM_014662.6); c.2984G>A, p.Ser995Asn (NM_001242897.2, NM_001363854.2, NM_001364319.2); c.3218G>A, p.Ser1073Asn (NM_001363852.2, NM_001364318.2, NM_001364320.2); c.3134G>A, p.Ser1045Asn (NM_001369901.1, NM_001369902.1); short protein forms S1045N, S1073N, S995N, S1064N.
Identifiers: ClinVar variation 665901 (VCV000665901.11), dbSNP rs375884815, ClinGen allele CA323353507.

ClinVar aggregate classification (germline): Uncertain significance. Review status: criteria provided, multiple submitters, no conflicts (2 of 4 stars). 2 submissions from 2 submitters: Uncertain significance (2). Last evaluated 2024-02-23.

Conditions:
Familial focal epilepsy with variable foci (FPEVF). Identifiers: Orphanet 98820, MedGen C1858477, MONDO:0020310.
Epilepsy, familial focal, with variable foci 1 (FFEVF1). Also called: DEPDC5-Related Epilepsy. Identifiers: MedGen C4551983, MONDO:0024556, OMIM 604364.

Allele frequency attached by ClinVar (database versions not stated): gnomAD exomes below 0.00001.
gnomAD v4.1: 1 of 1,612,646 alleles (0.000062%); highest among the groups gnomAD compares: Admixed American, 0.0017%; no homozygotes.

Submissions (2):

Labcorp Genetics (formerly Invitae), Labcorp
Classification: Uncertain significance for Familial focal epilepsy with variable foci. Last evaluated: 2024-02-23. Review status: criteria provided, single submitter. Criteria: Invitae Variant Classification Sherloc (09022015). Collection method: clinical testing. Allele origin: germline.
Comment: This sequence change replaces serine, which is neutral and polar, with asparagine, which is neutral and polar, at codon 1073 of the DEPDC5 protein (p.Ser1073Asn). This variant is present in population databases (rs375884815, gnomAD 0.003%). This variant has not been reported in the literature in individuals affected with DEPDC5-related conditions. ClinVar contains an entry for this variant (Variation ID: 665901). Algorithms developed to predict the effect of missense changes on protein structure and function output the following: SIFT: "Not Available"; PolyPhen-2: "Not Available"; Align-GVGD: "Not Available". The asparagine amino acid residue is found in multiple mammalian species, which suggests that this missense change does not adversely affect protein function. In summary, the available evidence is currently insufficient to determine the role of this variant in disease. Therefore, it has been classified as a Variant of Uncertain Significance.

Fulgent Genetics
Classification: Uncertain significance for Epilepsy, familial focal, with variable foci 1. Last evaluated: 2022-05-16. Review status: criteria provided, single submitter. Criteria: ACMG Guidelines, 2015. Collection method: clinical testing. Allele origin: unknown.